The following is an entry in ClinVar:

ClinVar aggregate classification (germline): Uncertain significance. Review status: criteria provided, multiple submitters, no conflicts (2 of 4 stars). 2 submissions from 2 submitters: Uncertain significance (2). Last evaluated 2026-07-05.

Conditions:
TTN-related disorder. Also called: TTN-related disorders; TTN-related condition; TTN-related disease.

Allele frequency attached by ClinVar (database versions not stated): gnomAD exomes below 0.00001; gnomAD 0.00001 and 0.00002; TOPMed 0.00003.
gnomAD v4.1: 5 of 1,612,702 alleles (0.00031%); highest among the groups gnomAD compares: African/African-American, 0.004%; no homozygotes.

Submissions (2):

PreventionGenetics, part of Exact Sciences
Classification: Uncertain significance for TTN-related condition. Last evaluated: 2026-07-05. Review status: criteria provided, single submitter. Criteria: ACMG Guidelines, 2015. Collection method: clinical testing. Allele origin: germline.
Comment: The TTN c.76592T>C variant is predicted to result in the amino acid substitution p.Phe25531Ser. To our knowledge, this variant has not been reported in the literature. This variant is reported in 0.0083% of alleles in individuals of African descent in gnomAD. At this time, the clinical significance of this variant is uncertain due to the absence of conclusive functional and genetic evidence.

ARUP Laboratories, Molecular Genetics and Genomics, ARUP Laboratories
Classification: Uncertain significance. Last evaluated: 2021-05-22. Review status: criteria provided, single submitter. Criteria: ARUP Molecular Germline Variant Investigation Process 2021. Collection method: clinical testing. Allele origin: germline.
Comment: The TTN c.68888T>C; p.Phe22963Ser variant (rs976954474) is rare in the general population (<0.2% allele frequency in the Genome Aggregation Database) and has not been reported in the medical literature in association with dilated cardiomyopathy (DCM) or other TTN-related disease. The clinical relevance of rare missense variants in this gene, which are identified on average once per individual sequenced in affected populations (Herman 2012), is not well understood. Yet, evidence suggests that the vast majority of such missense variants do not contribute to the clinical outcome of DCM (Begay 2015). Thus, the clinical significance of the p.Phe22963Ser variant cannot be determined with certainty.

NM_001267550.2(TTN):c.76592T>C (p.Phe25531Ser)

Genes: TTN (titin; minus strand), TTN-AS1 (TTN antisense RNA 1; plus strand). Cytogenetic location: 2q31.2.
Variant type: single nucleotide variant.
Coding change: c.76592T>C on transcript NM_001267550.2 (MANE Select); coding-DNA position 76592, T replaced by C.
Protein change: p.Phe25531Ser; replaces phenylalanine 25531 with serine.
Molecular consequence: missense variant.
Genome position (GRCh38, 1-based): chr2:178,569,540, A>G on the plus strand (T>C on the coding strand, the complement: TTN is on the minus strand). VCF-style: chr2-178569540-A-G. GRCh37 (hg19) VCF-style: chr2-179434267-A-G.
Other names: c.68888T>C, p.Phe22963Ser (NM_133378.4); c.49772T>C, p.Phe16591Ser (NM_133432.3); c.49973T>C, p.Phe16658Ser (NM_133437.4); c.71669T>C, p.Phe23890Ser (NM_001256850.1); c.49397T>C, p.Phe16466Ser (NM_003319.4); short protein forms F16466S, F16591S, F16658S, F22963S, F23890S, F25531S.
Identifiers: ClinVar variation 1330481 (VCV001330481.8), dbSNP rs976954474, ClinGen allele CA60993795.